The following is an entry in ClinVar:

NM_198576.4(AGRN):c.6097G>A (p.Ala2033Thr)

Gene: AGRN (agrin; plus strand). Cytogenetic location: 1p36.33.
Variant type: single nucleotide variant.
Coding change: c.6097G>A on transcript NM_198576.4 (MANE Select); coding-DNA position 6097, G replaced by A.
Protein change: p.Ala2033Thr; replaces alanine 2033 with threonine.
Molecular consequence: missense variant.
Genome position (GRCh38, 1-based): chr1:1,054,940, G>A. VCF-style: chr1-1054940-G-A. GRCh37 (hg19) VCF-style: chr1-990320-G-A.
Other names: c.6166G>A, p.Ala2056Thr (NM_001305275.2); c.5794G>A, p.Ala1932Thr (NM_001364727.2); short protein forms A2033T, A1932T, A2056T.
Identifiers: ClinVar variation 1519935 (VCV001519935.6), dbSNP rs374026237, ClinGen allele CA510332.

ClinVar aggregate classification (germline): Uncertain significance. Review status: criteria provided, multiple submitters, no conflicts (2 of 4 stars). 2 submissions from 2 submitters: Uncertain significance (2). Last evaluated 2024-09-04.

Conditions:
Congenital myasthenic syndrome 8. Also called: MYASTHENIC SYNDROME, CONGENITAL, DUE TO AGRIN DEFICIENCY; Myasthenic syndrome, congenital, 8, with pre- and postsynaptic defects. Identifiers: Orphanet 590, MedGen C3808739, MONDO:0014052, OMIM 615120.

Allele frequency attached by ClinVar (database versions not stated): gnomAD exomes 0.00003 and 0.00007; TOPMed 0.00003; gnomAD 0.00004; ESP Exome Variant Server 0.00008.
gnomAD v4.1: 107 of 1,548,878 alleles (0.0069%); highest among the groups gnomAD compares: Non-Finnish European, 0.008%; no homozygotes.

Submissions (2):

Blueprint Genetics
Classification: Uncertain significance. Last evaluated: 2024-09-04. Review status: criteria provided, single submitter. Criteria: ACMG Guidelines, 2015. Collection method: clinical testing. Allele origin: germline.

Labcorp Genetics (formerly Invitae), Labcorp
Classification: Uncertain significance for Congenital myasthenic syndrome 8. Last evaluated: 2022-09-13. Review status: criteria provided, single submitter. Criteria: Invitae Variant Classification Sherloc (09022015). Collection method: clinical testing. Allele origin: germline.
Comment: This sequence change replaces alanine, which is neutral and non-polar, with threonine, which is neutral and polar, at codon 2033 of the AGRN protein (p.Ala2033Thr). The frequency data for this variant in the population databases is considered unreliable, as metrics indicate poor data quality at this position in the gnomAD database. This variant has not been reported in the literature in individuals affected with AGRN-related conditions. ClinVar contains an entry for this variant (Variation ID: 1519935). Algorithms developed to predict the effect of missense changes on protein structure and function are either unavailable or do not agree on the potential impact of this missense change (SIFT: "Deleterious"; PolyPhen-2: "Probably Damaging"; Align-GVGD: "Class C0"). In summary, the available evidence is currently insufficient to determine the role of this variant in disease. Therefore, it has been classified as a Variant of Uncertain Significance.